The following is an entry in ClinVar:

ClinVar aggregate classification (germline): Uncertain significance (1 of 4 stars; one submission).

Submission:

GeneDx
Classification: Uncertain significance. Last evaluated: 2020-10-01. Review status: criteria provided, single submitter. Criteria: GeneDx Variant Classification Process June 2021. Collection method: clinical testing. Allele origin: germline. Affected: yes.
Comment: Not observed in large population cohorts (Lek et al., 2016); Frameshift variant predicted to result in protein truncation as the last 10 amino acids are replaced with 21 different amino acids, although loss-of-function variants have not been reported downstream of this position in the protein; Has not been previously published as pathogenic or benign to our knowledge

NM_207037.2(TCF12):c.2085del (p.Ser697fs)

Gene: TCF12 (transcription factor 12; plus strand). Cytogenetic location: 15q21.3.
Variant type: Deletion.
Coding change: c.2085del on transcript NM_207037.2 (MANE Select); coding-DNA position 2085, one base deleted (G; older notation c.2085delG).
Protein change: p.Ser697fs; shifts the reading frame from serine 697.
Molecular consequence: frameshift variant.
Genome position (GRCh38, 1-based): chr15:57,282,551, G deleted; the last of 3 consecutive G bases (chr15:57,282,549-57,282,551); deleting any one gives the same sequence. VCF-style (leftmost placement, unchanged base first): chr15-57282548-TG-T. GRCh37 (hg19) VCF-style: chr15-57574746-TG-T.
Other names: c.2085delG (NM_207036.1); c.1575del, p.Ser527fs (NM_001306219.3); c.1305del, p.Ser437fs (NM_001306220.3); c.2085del, p.Ser697fs (NM_001322151.2, NM_001322159.3, NM_001322162.2 and 1 more transcripts); c.2082del, p.Ser696fs (NM_001322152.2, NM_001322161.2); c.1428del, p.Ser478fs (NM_001322154.2); c.1911del, p.Ser639fs (NM_001322156.2); c.2013del, p.Ser673fs (NM_001322157.3, NM_001322165.2, NM_003205.4 and 1 more transcripts); and 3 more; short protein forms S478fs, S615fs, S437fs, S527fs, S696fs, S697fs, S503fs, S639fs.
Identifiers: ClinVar variation 503981 (VCV000503981.4), dbSNP rs1555420952, ClinGen allele CA658798384.